The following is an entry in ClinVar:

ClinVar aggregate classification (germline): Uncertain significance (1 of 4 stars; one submission).

gnomAD v4.1: 1 of 1,613,330 alleles (0.000062%); highest among the groups gnomAD compares: Non-Finnish European, 0.000085%; no homozygotes.

Submission:

GeneDx
Classification: Uncertain significance. Last evaluated: 2023-06-09. Review status: criteria provided, single submitter. Criteria: GeneDx Variant Classification Process June 2021. Collection method: clinical testing. Allele origin: germline. Affected: yes.
Comment: Not observed at significant frequency in large population cohorts (gnomAD); In silico analysis supports a deleterious effect on splicing; Has not been previously published as pathogenic or benign to our knowledge

NM_016284.5(CNOT1):c.2470A>G (p.Met824Val)

Gene: CNOT1 (CCR4-NOT transcription complex subunit 1; minus strand). Cytogenetic location: 16q21.
Variant type: single nucleotide variant.
Coding change: c.2470A>G on transcript NM_016284.5 (MANE Select); coding-DNA position 2470, A replaced by G.
Protein change: p.Met824Val; replaces methionine 824 with valine.
Molecular consequence: missense variant. On other transcripts: intron variant (1).
Genome position (GRCh38, 1-based): chr16:58,556,856, T>C on the plus strand (A>G on the coding strand, the complement: CNOT1 is on the minus strand). VCF-style: chr16-58556856-T-C. GRCh37 (hg19) VCF-style: chr16-58590760-T-C.
Other names: c.2470A>G, p.Met824Val (NM_206999.3); c.2464+6A>G (NM_001265612.2); short protein forms M824V.
Identifiers: ClinVar variation 3359666 (VCV003359666.1).